The following is an entry in ClinVar:

NM_001374828.1(ARID1B):c.901C>G (p.Pro301Ala)

Genes: ARID1B (AT-rich interaction domain 1B; plus strand), LOC129997525 (ATAC-STARR-seq lymphoblastoid silent region 17712; plus strand). Cytogenetic location: 6q25.3.
Variant type: single nucleotide variant.
Coding change: c.901C>G on transcript NM_001374828.1 (MANE Select); coding-DNA position 901, C replaced by G.
Protein change: p.Pro301Ala; replaces proline 301 with alanine.
Molecular consequence: missense variant.
Genome position (GRCh38, 1-based): chr6:156,778,581, C>G. VCF-style: chr6-156778581-C-G. GRCh37 (hg19) VCF-style: chr6-157099715-C-G.
Other names: c.652C>G (NM_020732.3); c.901C>G, p.Pro301Ala (NM_001371656.1, NM_001374820.1, NM_017519.3); short protein forms P301A.
Identifiers: ClinVar variation 445563 (VCV000445563.39), dbSNP rs1044746171, ClinGen allele CA150802743.
Genomic context (GRCh38, chr6:156,778,581, plus strand): 5'-GGCCGCTACGAGCACCCGGGCTTGGGCGCCCTGGGCACGCAGCAGCCGCCGGTCGCCGTG[C>G]CCGGGGGCGGCGGCGGCCCGGCGGCCGTCCCGGAGTTTAATAATTACTATGGCAGCGCTG-3'
Protein context (NP_001361757.1, residues 291-311): LGTQQPPVAV[Pro301Ala]GGGGGPAAVP

ClinVar aggregate classification (germline): Conflicting classifications of pathogenicity. Review status: criteria provided, conflicting classifications (1 of 4 stars). 7 submissions from 7 submitters: Uncertain significance (1); Benign (1); Likely benign (5). Last evaluated 2026-09-01.

Conditions:
Inborn genetic diseases. Identifiers: MedGen C0950123, MeSH D030342.
Coffin-Siris syndrome 1 (CSS1). Also called: Mental retardation, autosomal dominant 12; ARID1B-Related Coffin-Siris Syndrome. Identifiers: Orphanet 1465, MedGen C3281201, MONDO:0007617, OMIM 135900. Disease mechanism: gain of function.

Allele frequency attached by ClinVar (database versions not stated): TOPMed 0.00011; gnomAD 0.00012 and 0.00013; gnomAD exomes 0.00008.
gnomAD v4.1: 157 of 1,261,592 alleles (0.012%); highest among the groups gnomAD compares: Non-Finnish European, 0.015%; no homozygotes.

Submissions (7):

CeGaT Center for Human Genetics Tuebingen
Classification: Likely benign. Last evaluated: 2026-09-01. Review status: criteria provided, single submitter. Criteria: CeGaT Center For Human Genetics Tuebingen Variant Classification Criteria Version 2. Collection method: clinical testing. Allele origin: germline. Affected: yes. Observed: 9 variant alleles.
Comment: ARID1B: BS2

Labcorp Genetics (formerly Invitae), Labcorp
Classification: Benign. Last evaluated: 2025-12-15. Review status: criteria provided, single submitter. Criteria: Invitae Variant Classification Sherloc (09022015). Collection method: clinical testing. Allele origin: germline.

Laboratory of Genetics, Children's Clinical University Hospital Latvia
Classification: Likely benign. Last evaluated: 2025-02-16. Review status: criteria provided, single submitter. Criteria: ACMG Guidelines, 2015. Collection method: clinical testing. Allele origin: germline. Affected: yes.

Blueprint Genetics
Classification: Likely benign. Last evaluated: 2024-11-13. Review status: criteria provided, single submitter. Criteria: ACMG Guidelines, 2015. Collection method: clinical testing. Allele origin: germline.

Department of Pathology and Laboratory Medicine, Sinai Health System
Classification: Likely benign for Coffin-Siris syndrome 1. Last evaluated: 2020-07-17. Review status: criteria provided, single submitter. Criteria: ACMG Guidelines, 2015. Collection method: research. Allele origin: germline.

Ambry Genetics
Classification: Likely benign for Inborn genetic diseases. Last evaluated: 2017-11-06. Review status: criteria provided, single submitter. Criteria: Ambry Variant Classification Scheme 2023. Collection method: clinical testing. Allele origin: germline.

Center for Pediatric Genomic Medicine, Children's Mercy Hospital and Clinics
Classification: Uncertain significance. Last evaluated: 2017-03-07. Review status: criteria provided, single submitter. Criteria: ACMG Guidelines, 2015. Collection method: clinical testing. Allele origin: germline.